The following is an entry in ClinVar:

NM_024426.6(WT1):c.763A>G (p.Met255Val)

Gene: WT1 (WT1 transcription factor; minus strand). Cytogenetic location: 11p13.
Variant type: single nucleotide variant.
Coding change: c.763A>G on transcript NM_024426.6 (MANE Select); coding-DNA position 763, A replaced by G.
Protein change: p.Met255Val; replaces methionine 255 with valine.
Molecular consequence: missense variant. On other transcripts: non-coding transcript variant (1).
Genome position (GRCh38, 1-based): chr11:32,428,518, T>C on the plus strand (A>G on the coding strand, the complement: WT1 is on the minus strand). VCF-style: chr11-32428518-T-C. GRCh37 (hg19) VCF-style: chr11-32450064-T-C.
Other names: c.112A>G, p.Met38Val (NM_001198552.2, NM_001198551.2); c.763A>G, p.Met255Val (NM_001407044.1, NM_001407045.1, NM_001407046.1 and 4 more transcripts); c.1A>G, p.Met1Val (NM_001407051.1); c.748A>G, p.Met250Val (NM_024425.2); short protein forms M38V, M255V, M1V.
Identifiers: ClinVar variation 476719 (VCV000476719.12), dbSNP rs142653301, ClinGen allele CA065552.
Genomic context (GRCh38, chr11:32,428,518, plus strand): 5'-AGAAGGGGAGAAGGACTCCACTTGGTTCCGCTCGCTTACCCAGCGAGCCCTGCTGGCCCA[T>C]GGGATCCTCATGCTTGAATGAGTGGTTGGGGAACTGCGCCGCATGGTGCGAGGGCGTGTG-3'
Protein context (NP_077744.4, residues 245-265): PNHSFKHEDP[Met255Val]GQQGSLGEQQ

ClinVar aggregate classification (germline): Uncertain significance. Review status: criteria provided, multiple submitters, no conflicts (2 of 4 stars). 3 submissions from 3 submitters: Uncertain significance (3). Last evaluated 2025-01-09.

Conditions:
Wilms tumor 1 (WT1). Also called: Wilms tumor, somatic. Identifiers: Orphanet 654, MedGen CN033288, MONDO:0008679, OMIM 194070.
Drash syndrome (DDS). Also called: NEPHROPATHY, WILMS TUMOR, AND GENITAL ANOMALIES; WILMS TUMOR AND PSEUDO- OR TRUE HERMAPHRODITISM. Identifiers: Orphanet 220, MedGen C0950121, MONDO:0008682, OMIM 194080.
11p partial monosomy syndrome (WAGR). Also called: WAGR Spectrum Disorder; CHROMOSOME 11p13 DELETION SYNDROME; WAGR syndrome; WAGR Complex. Identifiers: Orphanet 893, MedGen C0206115, MONDO:0008681, OMIM 194072.
Frasier syndrome. Identifiers: Orphanet 347, MedGen C0950122, MeSH D052159, MONDO:0007635, OMIM 136680.
Inborn genetic diseases. Identifiers: MedGen C0950123, MeSH D030342.

Allele frequency attached by ClinVar (database versions not stated): gnomAD exomes below 0.00001; ExAC 0.00001; gnomAD 0.00001; TOPMed 0.00001; ESP Exome Variant Server 0.00008.
gnomAD v4.1: 3 of 1,614,012 alleles (0.00019%); highest among the groups gnomAD compares: South Asian, 0.0011%; no homozygotes.

Submissions (3):

Ambry Genetics
Classification: Uncertain significance for Inborn genetic diseases. Last evaluated: 2025-01-09. Review status: criteria provided, single submitter. Criteria: Ambry Variant Classification Scheme 2023. Collection method: clinical testing. Allele origin: germline.
Comment: The p.M250V variant (also known as c.748A>G), located in coding exon 2 of the WT1 gene, results from an A to G substitution at nucleotide position 748. The methionine at codon 250 is replaced by valine, an amino acid with highly similar properties. This amino acid position is conserved. In addition, the in silico prediction for this alteration is inconclusive. Based on the available evidence, the clinical significance of this variant remains unclear.

Baylor Genetics
Classification: Uncertain significance for Drash syndrome. Last evaluated: 2024-02-29. Review status: criteria provided, single submitter. Criteria: ACMG Guidelines, 2015. Collection method: clinical testing. Allele origin: unknown.

Labcorp Genetics (formerly Invitae), Labcorp
Classification: Uncertain significance for Wilms tumor 1; Drash syndrome; 11p partial monosomy syndrome; Frasier syndrome. Last evaluated: 2023-11-01. Review status: criteria provided, single submitter. Criteria: Invitae Variant Classification Sherloc (09022015). Collection method: clinical testing. Allele origin: germline.
Comment: This sequence change replaces methionine, which is neutral and non-polar, with valine, which is neutral and non-polar, at codon 250 of the WT1 protein (p.Met250Val). This variant is present in population databases (rs142653301, gnomAD 0.002%). This variant has not been reported in the literature in individuals affected with WT1-related conditions. ClinVar contains an entry for this variant (Variation ID: 476719). Advanced modeling of protein sequence and biophysical properties (such as structural, functional, and spatial information, amino acid conservation, physicochemical variation, residue mobility, and thermodynamic stability) performed at Invitae indicates that this missense variant is not expected to disrupt WT1 protein function with a negative predictive value of 95%. In summary, the available evidence is currently insufficient to determine the role of this variant in disease. Therefore, it has been classified as a Variant of Uncertain Significance.